The following is an entry in ClinVar:

ClinVar aggregate classification (germline): Uncertain significance (1 of 4 stars; one submission).

Conditions:
Hajdu-Cheney syndrome (HJCYS). Also called: Acroosteolysis dominant type; ACROOSTEOLYSIS WITH OSTEOPOROSIS AND CHANGES IN SKULL AND MANDIBLE; SERPENTINE FIBULA-POLYCYSTIC KIDNEY SYNDROME. Identifiers: Orphanet 955, MedGen C0917715, MONDO:0007057, OMIM 102500.

Submission:

Labcorp Genetics (formerly Invitae), Labcorp
Classification: Uncertain significance for Hajdu-Cheney syndrome. Last evaluated: 2024-01-09. Review status: criteria provided, single submitter. Criteria: Invitae Variant Classification Sherloc (09022015). Collection method: clinical testing. Allele origin: germline.
Comment: This sequence change replaces threonine, which is neutral and polar, with isoleucine, which is neutral and non-polar, at codon 1946 of the NOTCH2 protein (p.Thr1946Ile). This variant is not present in population databases (gnomAD no frequency). This variant has not been reported in the literature in individuals affected with NOTCH2-related conditions. Advanced modeling of protein sequence and biophysical properties (such as structural, functional, and spatial information, amino acid conservation, physicochemical variation, residue mobility, and thermodynamic stability) has been performed at Invitae for this missense variant, however the output from this modeling did not meet the statistical confidence thresholds required to predict the impact of this variant on NOTCH2 protein function. In summary, the available evidence is currently insufficient to determine the role of this variant in disease. Therefore, it has been classified as a Variant of Uncertain Significance.

NM_024408.4(NOTCH2):c.5837C>T (p.Thr1946Ile)

Gene: NOTCH2 (notch receptor 2; minus strand). Cytogenetic location: 1p12.
Variant type: single nucleotide variant.
Coding change: c.5837C>T on transcript NM_024408.4 (MANE Select); coding-DNA position 5837, C replaced by T.
Protein change: p.Thr1946Ile; replaces threonine 1946 with isoleucine.
Molecular consequence: missense variant.
Genome position (GRCh38, 1-based): chr1:119,918,498, G>A on the plus strand (C>T on the coding strand, the complement: NOTCH2 is on the minus strand). VCF-style: chr1-119918498-G-A. GRCh37 (hg19) VCF-style: chr1-120461121-G-A.
Other names: short protein forms T1946I.
Identifiers: ClinVar variation 2708070 (VCV002708070.3), dbSNP rs2101148160, ClinGen allele CA341882774.